The following is an entry in ClinVar:

NM_181486.4(TBX5):c.983_984del

Gene: TBX5 (T-box transcription factor 5; minus strand). Cytogenetic location: 12q24.21.
Variant type: Microsatellite.
Coding change: c.983_984del on transcript NM_181486.4 (MANE Select); coding-DNA positions 983 to 984, 2 bases deleted (AG; older notation c.983_984delAG).
Molecular consequence: splice acceptor variant.
Genome position (GRCh38, 1-based): chr12:114,356,105-114,356,106, CT deleted on the plus strand (AG on the coding strand, the reverse complement: TBX5 is on the minus strand); deleting any 2 consecutive bases within chr12:114,356,105-114,356,108 gives the same sequence; the c. name uses the placement nearest the transcript's 3' end. VCF-style (leftmost placement, unchanged base first): chr12-114356104-CCT-C. GRCh37 (hg19) VCF-style: chr12-114793909-CCT-C.
Identifiers: ClinVar variation 5018608 (VCV005018608.1).

ClinVar aggregate classification (germline): Likely pathogenic (1 of 4 stars; one submission).

Conditions:
Holt-Oram syndrome (HOS). Also called: Ventriculo-radial syndrome; Cardiac-limb syndrome; Heart-hand syndrome, type 1; TBX5-Related Holt-Oram Syndrome. Identifiers: Orphanet 392, MedGen C0265264, MONDO:0007732, OMIM 142900.

Submission:

Juno Genomics, Hangzhou Juno Genomics, Inc
Classification: Likely pathogenic for Holt-Oram syndrome. Review status: criteria provided, single submitter. Criteria: ACMG Guidelines, 2015. Collection method: clinical testing. Allele origin: germline. Affected: yes.
Comment: Absent from controls (or at extremely low frequency if recessive) in Genome Aggregation Database.;Null variant in a gene where loss of function (LOF) is a known mechanism of disease.;Patient's phenotype or family history is highly specific for a disease with a single genetic etiology.